The following is an entry in ClinVar:

NM_004924.6(ACTN4):c.2497G>A (p.Asp833Asn)

Gene: ACTN4 (actinin alpha 4; plus strand). Cytogenetic location: 19q13.2.
Variant type: single nucleotide variant.
Coding change: c.2497G>A on transcript NM_004924.6 (MANE Select); coding-DNA position 2497, G replaced by A.
Protein change: p.Asp833Asn; replaces aspartic acid 833 with asparagine.
Molecular consequence: missense variant.
Genome position (GRCh38, 1-based): chr19:38,729,074, G>A. VCF-style: chr19-38729074-G-A. GRCh37 (hg19) VCF-style: chr19-39219714-G-A.
Other names: c.2482G>A, p.Asp828Asn (NM_001322033.2); short protein forms D828N, D833N.
Identifiers: ClinVar variation 1499394 (VCV001499394.6), dbSNP rs1969374791, ClinGen allele CA405706203.

ClinVar aggregate classification (germline): Uncertain significance (1 of 4 stars; one submission).

Allele frequency attached by ClinVar (database versions not stated): TOPMed below 0.00001; gnomAD exomes below 0.00001.
gnomAD v4.1: 1 of 1,613,418 alleles (0.000062%); highest among the groups gnomAD compares: Non-Finnish European, 0.000085%; no homozygotes.

Submission:

Labcorp Genetics (formerly Invitae), Labcorp
Classification: Uncertain significance. Last evaluated: 2025-06-12. Review status: criteria provided, single submitter. Criteria: Invitae Variant Classification Sherloc (09022015). Collection method: clinical testing. Allele origin: germline.
Comment: This sequence change replaces aspartic acid, which is acidic and polar, with asparagine, which is neutral and polar, at codon 833 of the ACTN4 protein (p.Asp833Asn). This variant is not present in population databases (gnomAD no frequency). This variant has not been reported in the literature in individuals affected with ACTN4-related conditions. ClinVar contains an entry for this variant (Variation ID: 1499394). An algorithm developed to predict the effect of missense changes on protein structure and function (PolyPhen-2) suggests that this variant is likely to be disruptive. In summary, the available evidence is currently insufficient to determine the role of this variant in disease. Therefore, it has been classified as a Variant of Uncertain Significance.